The following is an entry in ClinVar:

ClinVar aggregate classification (germline): Uncertain significance (1 of 4 stars; one submission).

gnomAD v4.1: 1 of 1,614,142 alleles (0.000062%); no homozygotes.

Submission:

Ambry Genetics
Classification: Uncertain significance. Last evaluated: 2025-09-22. Review status: criteria provided, single submitter. Criteria: Ambry Variant Classification Scheme 2023. Collection method: clinical testing. Allele origin: germline.
Comment: The p.G523A variant (also known as c.1568G>C), located in coding exon 1 of the TET2 gene, results from a G to C substitution at nucleotide position 1568. The glycine at codon 523 is replaced by alanine, an amino acid with similar properties. This amino acid position is conserved. In addition, this alteration is predicted to be tolerated by in silico analysis. Based on the available evidence, the clinical significance of this variant remains unclear.

NM_001127208.3(TET2):c.1568G>C (p.Gly523Ala)

Genes: TET2 (tet methylcytosine dioxygenase 2; plus strand), TET2-AS1 (TET2 antisense RNA 1; minus strand). Cytogenetic location: 4q24.
Variant type: single nucleotide variant.
Coding change: c.1568G>C on transcript NM_001127208.3 (MANE Select); coding-DNA position 1568, G replaced by C.
Protein change: p.Gly523Ala; replaces glycine 523 with alanine.
Molecular consequence: missense variant.
Genome position (GRCh38, 1-based): chr4:105,235,510, G>C. VCF-style: chr4-105235510-G-C. GRCh37 (hg19) VCF-style: chr4-106156667-G-C.
Other names: c.1568G>C, p.Gly523Ala (NM_017628.4); short protein forms G523A.
Identifiers: ClinVar variation 4594122 (VCV004594122.1).